The following is an entry in ClinVar:

GRCh37/hg19 4q21.21-22.1(chr4:82043901-88334228)

Genes: ABRAXAS1 (abraxas 1, BRCA1 A complex subunit; minus strand), AFF1 (ALF transcription elongation factor 1; plus strand), ARHGAP24 (Rho GTPase activating protein 24; plus strand), C4orf36 (chromosome 4 open reading frame 36; minus strand), CDS1 (CDP-diacylglycerol synthase 1; plus strand) and 25 more. Cytogenetic location: 4q21.21-22.1.
Variant type: copy number loss.
Identifiers: ClinVar variation 625784 (VCV000625784.1).

ClinVar aggregate classification (germline): Pathogenic (1 of 4 stars; one submission).

Submission:

Baylor Genetics
Classification: Pathogenic. Last evaluated: 2018-11-01. Review status: criteria provided, single submitter. Criteria: ACMG CNV Guidelines, 2011. Collection method: clinical testing. Allele origin: de novo. Observed: 1 variant allele.